The following is an entry in ClinVar:

ClinVar aggregate classification (germline): Uncertain significance. Review status: criteria provided, multiple submitters, no conflicts (2 of 4 stars). 2 submissions from 2 submitters: Uncertain significance (2). Last evaluated 2025-06-16.

Conditions:
Combined deficiency of sialidase AND beta galactosidase (GSL). Also called: CATHEPSIN A DEFICIENCY; GOLDBERG SYNDROME; NEURAMINIDASE DEFICIENCY WITH BETA-GALACTOSIDASE DEFICIENCY; NEURAMINIDASE/BETA-GALACTOSIDASE EXPRESSION; PPCA DEFICIENCY; PROTECTIVE PROTEIN/CATHEPSIN A DEFICIENCY. Identifiers: Orphanet 351, MedGen C0268233, MONDO:0009737, OMIM 256540.

Allele frequency attached by ClinVar (database versions not stated): ESP Exome Variant Server 0.00023; gnomAD exomes 0.00002 and 0.00004; ExAC 0.00003; 1000 Genomes Project 30x 0.00016; gnomAD 0.00017 and 0.00019; TOPMed 0.00018; 1000 Genomes Project 0.00020.
gnomAD v4.1: 55 of 1,614,112 alleles (0.0034%); highest among the groups gnomAD compares: African/African-American, 0.071%; no homozygotes.

Submissions (2):

Women's Health and Genetics/Laboratory Corporation of America, LabCorp
Classification: Uncertain significance. Last evaluated: 2025-06-16. Review status: criteria provided, single submitter. Criteria: LabCorp Variant Classification Summary - May 2015. Collection method: clinical testing. Allele origin: germline.

Labcorp Genetics (formerly Invitae), Labcorp
Classification: Uncertain significance for Combined deficiency of sialidase AND beta galactosidase. Last evaluated: 2022-05-27. Review status: criteria provided, single submitter. Criteria: Invitae Variant Classification Sherloc (09022015). Collection method: clinical testing. Allele origin: germline.
Comment: This sequence change falls in intron 11 of the CTSA gene. It does not directly change the encoded amino acid sequence of the CTSA protein. It affects a nucleotide within the consensus splice site. This variant is present in population databases (rs372830379, gnomAD 0.07%). This variant has not been reported in the literature in individuals affected with CTSA-related conditions. ClinVar contains an entry for this variant (Variation ID: 1017981). Variants that disrupt the consensus splice site are a relatively common cause of aberrant splicing (PMID: 17576681, 9536098). Algorithms developed to predict the effect of sequence changes on RNA splicing suggest that this variant may disrupt the consensus splice site. In summary, the available evidence is currently insufficient to determine the role of this variant in disease. Therefore, it has been classified as a Variant of Uncertain Significance.

Literature cited by the submitters: PubMed 17576681 (cited by Labcorp Genetics (formerly Invitae), Labcorp); PubMed 9536098 (cited by Labcorp Genetics (formerly Invitae), Labcorp).

NM_000308.4(CTSA):c.1088+3G>A

Gene: CTSA (cathepsin A; plus strand). Cytogenetic location: 20q13.12.
Variant type: single nucleotide variant.
Coding change: c.1088+3G>A on transcript NM_000308.4 (MANE Select); 3 bases into the intron after coding-DNA position 1088, G replaced by A.
Molecular consequence: intron variant.
Genome position (GRCh38, 1-based): chr20:45,895,136, G>A. VCF-style: chr20-45895136-G-A. GRCh37 (hg19) VCF-style: chr20-44523775-G-A.
Other names: c.1088+3G>A (NM_001127695.3); c.1037+3G>A (NM_001167594.3).
Identifiers: ClinVar variation 1017981 (VCV001017981.5), dbSNP rs372830379, ClinGen allele CA9883267.